The following is an entry in ClinVar:

ClinVar aggregate classification (germline): Pathogenic (1 of 4 stars; one submission).

Submission:

Labcorp Genetics (formerly Invitae), Labcorp
Classification: Pathogenic. Last evaluated: 2026-01-19. Review status: criteria provided, single submitter. Criteria: Invitae Variant Classification Sherloc (09022015). Collection method: clinical testing. Allele origin: germline.
Comment: This sequence change creates a premature translational stop signal (p.Gln603*) in the DSG1 gene. It is expected to result in an absent or disrupted protein product. Loss-of-function variants in DSG1 are known to be pathogenic (PMID: 19018793, 23974871, 27534273, 27632246, 29604126). This variant is not present in population databases (gnomAD no frequency). This variant has not been reported in the literature in individuals affected with DSG1-related conditions. Algorithms developed to predict the effect of sequence changes on RNA splicing suggest that this variant may disrupt the consensus splice site. For these reasons, this variant has been classified as Pathogenic.

Literature cited by the submitters: PubMed 19018793; PubMed 23974871; PubMed 27534273; PubMed 27632246; PubMed 29604126.

NM_001942.4(DSG1):c.1807C>T (p.Gln603Ter)

Genes: DSG1 (desmoglein 1; plus strand), DSG1-AS1 (DSG1 antisense RNA 1; minus strand). Cytogenetic location: 18q12.1.
Variant type: single nucleotide variant.
Coding change: c.1807C>T on transcript NM_001942.4 (MANE Select); coding-DNA position 1807, C replaced by T.
Protein change: p.Gln603Ter; replaces glutamine 603 with a stop codon.
Molecular consequence: nonsense. On other transcripts: non-coding transcript variant (2).
Genome position (GRCh38, 1-based): chr18:31,343,569, C>T. VCF-style: chr18-31343569-C-T. GRCh37 (hg19) VCF-style: chr18-28923532-C-T.
Other names: short protein forms Q603*.
Identifiers: ClinVar variation 4735683 (VCV004735683.1).
Genomic context (GRCh38, chr18:31,343,569, plus strand): 5'-TTTGAGCCTGTTCCCGAATGTTCAGATGGAGCAATTCATTCATGGGCAGTAGAAGGACCA[C>T]AGCCTGAACCCAGGGTAAGTGCCACATTCTAAGAAATAGCCGTTGGTAGTCACTGAAATT-3'